The following is an entry in ClinVar:

ClinVar aggregate classification (germline): Uncertain significance (1 of 4 stars; one submission).

Conditions:
Immunodeficiency. Identifiers: MedGen C0021051, MONDO:0021094, HP:0002721.

Allele frequency attached by ClinVar (database versions not stated): ExAC 0.00001; gnomAD 0.00001; TOPMed 0.00002.

Submission:

Labcorp Genetics (formerly Invitae), Labcorp
Classification: Uncertain significance for Immunodeficiency. Last evaluated: 2023-11-07. Review status: criteria provided, single submitter. Criteria: Invitae Variant Classification Sherloc (09022015). Collection method: clinical testing. Allele origin: germline.
Comment: This sequence change replaces glutamine, which is neutral and polar, with arginine, which is basic and polar, at codon 851 of the NFAT5 protein (p.Gln851Arg). This variant is present in population databases (rs769410314, gnomAD 0.007%). This variant has not been reported in the literature in individuals affected with NFAT5-related conditions. An algorithm developed to predict the effect of missense changes on protein structure and function (PolyPhen-2) suggests that this variant is likely to be disruptive. In summary, the available evidence is currently insufficient to determine the role of this variant in disease. Therefore, it has been classified as a Variant of Uncertain Significance.

NM_138713.4(NFAT5):c.2834A>G (p.Gln945Arg)

Gene: NFAT5 (nuclear factor of activated T cells 5; plus strand). Cytogenetic location: 16q22.1.
Variant type: single nucleotide variant.
Coding change: c.2834A>G on transcript NM_138713.4 (MANE Select); coding-DNA position 2834, A replaced by G.
Protein change: p.Gln945Arg; replaces glutamine 945 with arginine.
Molecular consequence: missense variant.
Genome position (GRCh38, 1-based): chr16:69,692,659, A>G. VCF-style: chr16-69692659-A-G. GRCh37 (hg19) VCF-style: chr16-69726562-A-G.
Other names: c.2831A>G, p.Gln944Arg (NM_001113178.3); c.2159A>G, p.Gln720Arg (NM_001367709.1); c.2780A>G, p.Gln927Arg (NM_006599.4); c.2552A>G, p.Gln851Arg (NM_138714.4, NM_173214.3, NM_173215.3); short protein forms Q944R, Q851R, Q945R, Q720R, Q927R.
Identifiers: ClinVar variation 2999568 (VCV002999568.3), dbSNP rs769410314, ClinGen allele CA8135810.
Genomic context (GRCh38, chr16:69,692,659, plus strand): 5'-CAGCTGCCCAGATTCAGTCAGAGTTATTCCCTTCAACTGCTTCAGCAAATGGAAACCTTC[A>G]GCAATCGCCAGTTTACCAGCAGACTTCTCACATGATGAGTGCATTGTCTACCAATGAGGA-3'
Protein context (NP_619727.2, residues 935-955): PSTASANGNL[Gln945Arg]QSPVYQQTSH